The following is an entry in ClinVar:

ClinVar aggregate classification (germline): Uncertain significance (1 of 4 stars; one submission).

Submission:

Labcorp Genetics (formerly Invitae), Labcorp
Classification: Uncertain significance. Last evaluated: 2025-03-13. Review status: criteria provided, single submitter. Criteria: Invitae Variant Classification Sherloc (09022015). Collection method: clinical testing. Allele origin: germline.
Comment: This sequence change replaces methionine, which is neutral and non-polar, with isoleucine, which is neutral and non-polar, at codon 1242 of the ERCC6L2 protein (p.Met1242Ile). This variant is not present in population databases (gnomAD no frequency). This variant has not been reported in the literature in individuals affected with ERCC6L2-related conditions. Experimental studies and prediction algorithms are not available or were not evaluated, and the functional significance of this variant is currently unknown. In summary, the available evidence is currently insufficient to determine the role of this variant in disease. Therefore, it has been classified as a Variant of Uncertain Significance.

NM_020207.7(ERCC6L2):c.3693G>A (p.Met1231Ile)

Gene: ERCC6L2 (ERCC excision repair 6 like 2; plus strand). Cytogenetic location: 9q22.32.
Variant type: single nucleotide variant.
Coding change: c.3693G>A on transcript NM_020207.7 (MANE Select); coding-DNA position 3693, G replaced by A.
Protein change: p.Met1231Ile; replaces methionine 1231 with isoleucine.
Molecular consequence: missense variant. On other transcripts: non-coding transcript variant (1), intron variant (2).
Genome position (GRCh38, 1-based): chr9:96,012,243, G>A. VCF-style: chr9-96012243-G-A. GRCh37 (hg19) VCF-style: chr9-98774525-G-A.
Other names: c.3674+7542G>A (NM_001375291.1, NM_001375292.1); short protein forms M1231I.
Identifiers: ClinVar variation 4715074 (VCV004715074.1).